The following is an entry in ClinVar:

ClinVar aggregate classification (germline): Pathogenic/Likely pathogenic. Review status: criteria provided, multiple submitters, no conflicts (2 of 4 stars). 10 submissions from 10 submitters: Pathogenic (2); Likely pathogenic (6). 2 of the submissions do not count toward it. Last evaluated 2026-06-30.

Conditions:
Cardiovascular phenotype. Identifiers: MedGen CN230736.
Autosomal recessive limb-girdle muscular dystrophy type 2J (LGMDR10). Also called: Limb-girdle muscular dystrophy, type 2J; MUSCULAR DYSTROPHY, LIMB-GIRDLE, AUTOSOMAL RECESSIVE 10. Identifiers: Orphanet 140922, MedGen C1837342, MONDO:0012127, OMIM 608807.
Dilated cardiomyopathy 1G (CMD1G). Identifiers: Orphanet 154, MedGen C1858763, MONDO:0011400, OMIM 604145.
TTN-related disorder. Also called: TTN-related condition; TTN-related disease; TTN-related disorders.
Cardiomyopathy (CMYO). Also called: Cardiomyopathies. Identifiers: Orphanet 167848, MedGen C0878544, MONDO:0004994, HP:0001638. Inheritance: Various modes of inheritance.
Early-onset myopathy with fatal cardiomyopathy (CMYO5). Also called: Salih Myopathy; CONGENITAL MYOPATHY 5 WITH CARDIOMYOPATHY. Identifiers: Orphanet 289377, MedGen C2673677, MONDO:0012714, OMIM 611705. Disease mechanism: loss of function.

Submissions (10):

Clinical Genetics Laboratory, Skane University Hospital Lund
Classification: Pathogenic for Dilated cardiomyopathy 1G. Last evaluated: 2026-06-30. Review status: criteria provided, single submitter. Criteria: ACMG Guidelines, 2015. Collection method: clinical testing. Allele origin: germline. Inheritance: Autosomal dominant inheritance. Affected: yes.
Comment: ACMG criteria used: PVS1, PS4_Moderate, PM2

Dasa
Classification: Pathogenic. Last evaluated: 2026-03-12. Review status: criteria provided, single submitter. Criteria: DASA Assertion Criteria. Collection method: clinical testing. Allele origin: germline.
Comment: NM_001267550.2(TTN):c.42205C>T (p.Arg14069*) introduces a premature termination codon predicted to result in loss of normal protein function. Loss-of-function is an established mechanism of disease for this gene. This variant has been recurrently observed in individuals with related phenotype (PMID: 37576110; PMID: 34011823). The variant is present at low frequency in population datasets. Based on the available data, this variant is classified as pathogenic.

Ambry Genetics
Classification: Likely pathogenic for Cardiovascular phenotype. Last evaluated: 2026-01-20. Review status: criteria provided, single submitter. Criteria: Ambry Variant Classification Scheme 2023. Collection method: clinical testing. Allele origin: germline.
Comment: The p.R5004* variant (also known as c.15010C>T), located in coding exon 57 of the TTN gene, results from a C to T substitution at nucleotide position 15010. This changes the amino acid from an arginine to a stop codon within coding exon 57. This exon is located in the I-band region of the N2-B isoform of the titin protein and is constitutively expressed in TTN transcripts (percent spliced in or PSI 100%). This variant was reported in individual(s) with features consistent with dilated cardiomyopathy (Nguyen TV et al. Circ J, 2021 Aug;85:1469-1478). Note, this variant is also referred to as NM_001267550.2:c.42205C>T (p.Arg14069*) in the literature. This variant is considered to be rare based on population cohorts in the Genome Aggregation Database (gnomAD). This variant is expected to result in loss of function by premature protein truncation or nonsense-mediated mRNA decay. While truncating variants in TTN are present in 1-3% of the general population, truncating variants in the A-band are the most common cause of dilated cardiomyopathy (Herman DS et al. N. Engl. J. Med., 2012 Feb;366:619-28; Roberts AM et al. Sci Transl Med, 2015 Jan;7:270ra6). TTN truncating variants encoded in constitutive exons (PSI >90%) have been found to be significantly associated with DCM regardless of their position in titin (Schafer S et al. Nat. Genet., 2017 01;49:46-53; Akhtar MM et al. Circ Heart Fail, 2020 Oct;13:e006832; Massier M et al. Clin Genet, 2025 Jan). Based on the majority of available evidence to date, this variant is likely to be pathogenic.

Labcorp Genetics (formerly Invitae), Labcorp
Classification: Likely pathogenic for Dilated cardiomyopathy 1G; Autosomal recessive limb-girdle muscular dystrophy type 2J. Last evaluated: 2025-06-03. Review status: criteria provided, single submitter. Criteria: Invitae Variant Classification Sherloc (09022015). Collection method: clinical testing. Allele origin: germline.
Comment: This sequence change creates a premature translational stop signal (p.Arg14069*) in the TTN gene. While this is not anticipated to result in nonsense mediated decay, it is expected to create a truncated TTN protein. This variant is not present in population databases (gnomAD no frequency). This premature translational stop signal has been observed in individual(s) with dilated cardiomyopathy (PMID: 34011823). ClinVar contains an entry for this variant (Variation ID: 861552). This variant is located in the I band of TTN (PMID: 25589632). Truncating variants in this region have been reported in individuals affected with autosomal recessive centronuclear myopathy (PMID: 23975875, internal data). Truncating variants in this region have also been identified in individuals affected with autosomal dominant dilated cardiomyopathy and/or cardio-related conditions (PMID: 27869827, 32964742, internal data). In summary, the currently available evidence indicates that the variant is pathogenic, but additional data are needed to prove that conclusively. Therefore, this variant has been classified as Likely Pathogenic.

PreventionGenetics, part of Exact Sciences
Classification: Likely pathogenic for TTN-related condition. Last evaluated: 2024-10-23. Review status: criteria provided, single submitter. Criteria: ACMG Guidelines, 2015. Collection method: clinical testing. Allele origin: germline.
Comment: The TTN c.42205C>T variant is predicted to result in premature protein termination (p.Arg14069*). This variant has been reported in one individual with dilated cardiomyopathy (Nguyen et al. 2021. PubMed ID: 34011823). This variant occurs within the I-band region of the titin protein. RNA sequencing studies from heart tissue indicate this exon is included in most TTN mRNA transcripts (PSI of 98%-100%, Roberts et al. 2015. PubMed ID: 25589632). To our knowledge, this variant is not in a large population database (gnomAD), indicating this variant is rare. Of note, truncating TTN variants in constitutive exons (PSI > 90%) are significantly associated with dilated cardiomyopathy (DCM) irrespective of their position in TTN (Schafer S et al. 2017. PubMed ID: 27869827). In addition, truncating TTN mutations have also been associated with autosomal recessive congenital myopathy (Ceyhan-Birsoy O et al. 2013. PubMed ID: 23975875). Therefore, this variant is interpreted as likely pathogenic for both autosomal recessive and dominant TTN-related disorders.

CHEO Genetics Diagnostic Laboratory, Children's Hospital of Eastern Ontario
Classification: Likely pathogenic for Cardiomyopathy. Last evaluated: 2023-05-29. Review status: criteria provided, single submitter. Criteria: ACMG Guidelines, 2015. Collection method: clinical testing. Allele origin: germline.

GeneDx
Classification: Likely pathogenic. Last evaluated: 2022-06-30. Review status: criteria provided, single submitter. Criteria: GeneDx Variant Classification Process June 2021. Collection method: clinical testing. Allele origin: germline. Affected: yes.
Comment: Not observed at significant frequency in large population cohorts (gnomAD); Located in a region of TTN within the I-band in which the majority of loss of function variants are significantly associated with autosomal dominant titinopathies (Deo et al., 2016; Schafer et al., 2017); This variant is associated with the following publications: (PMID: 27625338, 27869827, 34011823)

Laboratory of Medical Genetics Unit, Bambino Gesù Children's Hospital
Classification: Likely pathogenic for Early-onset myopathy with fatal cardiomyopathy. Review status: criteria provided, single submitter. Criteria: ACMG Guidelines, 2015. Collection method: clinical testing. Allele origin: paternal. Inheritance: Autosomal recessive inheritance. Affected: yes. Observed: 1 compound heterozygote.

Cardiogenetics and Myogenetics Molecular and Cellular Functional Unit, Aphp Sorbonne University-Hopital Pitie Salpetriere
Classification: Likely pathogenic for Dilated cardiomyopathy 1G. Last evaluated: 2024-01-06. Review status: no assertion criteria provided. Collection method: clinical testing. Allele origin: germline. Affected: yes. Not counted in ClinVar's aggregate classification.

KTest Genetics, KTest
Classification: Pathogenic for Dilated cardiomyopathy 1G. Review status: no assertion criteria provided. Criteria: ACMG Guidelines, 2015. Collection method: clinical testing. Allele origin: germline. Affected: yes. Not counted in ClinVar's aggregate classification.

Literature cited by the submitters: PubMed 37576110 (cited by Dasa); PubMed 34011823 (cited by 3 submitters); PubMed 25589632 (cited by Labcorp Genetics (formerly Invitae), Labcorp); PubMed 23975875 (cited by Labcorp Genetics (formerly Invitae), Labcorp); PubMed 27869827 (cited by Labcorp Genetics (formerly Invitae), Labcorp); PubMed 32964742 (cited by Labcorp Genetics (formerly Invitae), Labcorp).

NM_001267550.2(TTN):c.42205C>T (p.Arg14069Ter)

Gene: TTN (titin; minus strand). Cytogenetic location: 2q31.2.
Variant type: single nucleotide variant.
Coding change: c.42205C>T on transcript NM_001267550.2 (MANE Select); coding-DNA position 42205, C replaced by T.
Protein change: p.Arg14069Ter; replaces arginine 14069 with a stop codon.
Molecular consequence: nonsense.
Genome position (GRCh38, 1-based): chr2:178,634,576, G>A on the plus strand (C>T on the coding strand, the complement: TTN is on the minus strand). VCF-style: chr2-178634576-G-A. GRCh37 (hg19) VCF-style: chr2-179499303-G-A.
Other names: c.42205C>T (NM_001267550.1); c.37282C>T, p.Arg12428Ter (NM_001256850.1); c.15010C>T, p.Arg5004Ter (NM_003319.4); c.34501C>T, p.Arg11501Ter (NM_133378.4); c.15385C>T, p.Arg5129Ter (NM_133432.3); c.15586C>T, p.Arg5196Ter (NM_133437.4); short protein forms R11501*, R5004*, R5129*, R5196*, R12428*, R14069*.
Identifiers: ClinVar variation 861552 (VCV000861552.21), dbSNP rs2060187635, ClinGen allele CA349655506.
Genomic context (GRCh38, chr2:178,634,576, plus strand): 5'-GTCCTTTGGACCATATAACATTTGCCTCTCGGGTGAGGACACATTCGAATCGAGCCTGTC[G>A]CCTTTCTGGAACAGTGACATCCTTCAGGGGCACAGCAAAGTCAAGTTCGATTTCTGAAAA-3'